The following is an entry in ClinVar:

ClinVar aggregate classification (germline): Benign/Likely benign. Review status: criteria provided, multiple submitters, no conflicts (2 of 4 stars). 4 submissions from 4 submitters: Benign (2); Likely benign (1). 1 of the submissions does not count toward it. Last evaluated 2025-12-01.

Conditions:
PALLD-related disorder. Also called: PALLD-related condition.
Pancreatic adenocarcinoma. Identifiers: MedGen C0281361, MONDO:0006047, HP:0006725.
Pancreatic cancer, susceptibility to, 1. Identifiers: Orphanet 1333, MedGen C1847351, MONDO:0011739, OMIM 606856.

Allele frequency attached by ClinVar (database versions not stated): gnomAD exomes 0.00016; ExAC 0.00018; 1000 Genomes Project 0.00040; 1000 Genomes Project 30x 0.00062; gnomAD 0.00094 and 0.00105; TOPMed 0.00099.
gnomAD v4.1: 280 of 1,508,264 alleles (0.019%); highest among the groups gnomAD compares: African/African-American, 0.34%; 2 homozygotes.

Submissions (5):

Labcorp Genetics (formerly Invitae), Labcorp
Classification: Likely benign for Pancreatic adenocarcinoma. Last evaluated: 2025-12-01. Review status: criteria provided, single submitter. Criteria: Invitae Variant Classification Sherloc (09022015). Collection method: clinical testing. Allele origin: germline.

Ambry Genetics
Classification: Benign. Last evaluated: 2024-10-29. Review status: criteria provided, single submitter. Criteria: Ambry Variant Classification Scheme 2023. Collection method: clinical testing. Allele origin: germline.

Illumina Laboratory Services, Illumina
Classification: Benign for Pancreatic cancer, susceptibility to, 1. Last evaluated: 2018-01-12. Review status: criteria provided, single submitter. Criteria: ICSL Variant Classification Criteria 13 December 2019. Collection method: clinical testing. Allele origin: germline.
Comment: This variant was observed in the ICSL laboratory as part of a predisposition screen in an ostensibly healthy population. It had not been previously curated by ICSL or reported in the Human Gene Mutation Database (HGMD: prior to June 1st, 2018), and was therefore a candidate for classification through an automated scoring system. Utilizing variant allele frequency, disease prevalence and penetrance estimates, and inheritance mode, an automated score was calculated to assess if this variant is too frequent to cause the disease. Based on the score and internal cut-off values, a variant classified as benign is not then subjected to further curation. The score for this variant resulted in a classification of benign for this disease.

PreventionGenetics, part of Exact Sciences
Classification: Benign for PALLD-related condition. Last evaluated: 2019-10-10. Review status: no assertion criteria provided. Collection method: clinical testing. Allele origin: germline. Not counted in ClinVar's aggregate classification.
Comment: This variant is classified as benign based on ACMG/AMP sequence variant interpretation guidelines (Richards et al. 2015 PMID: 25741868, with internal and published modifications).

Dr. Peter K. Rogan Lab, Western University
No classification provided (evidence only). Condition: Sarcoma. Review status: no classification provided. Collection method: in vitro. Allele origin: not applicable. Functional consequence: retained intron. Not counted in ClinVar's aggregate classification.

NM_001166108.2(PALLD):c.33-4G>A

Genes: PALLD (palladin, cytoskeletal associated protein; plus strand), CBR4 (carbonyl reductase 4; minus strand). Cytogenetic location: 4q32.3.
Variant type: single nucleotide variant.
Coding change: c.33-4G>A on transcript NM_001166108.2 (MANE Select); 4 bases into the intron before coding-DNA position 33, G replaced by A.
Molecular consequence: intron variant.
Genome position (GRCh38, 1-based): chr4:168,926,209, G>A. VCF-style: chr4-168926209-G-A. GRCh37 (hg19) VCF-style: chr4-169847360-G-A.
Other names: c.*33-4G>A (NM_001166108.2); c.33-4G>A (NM_016081.4, NM_001367570.1, NM_001367567.1); c.2162-4G>A (NM_001166109.2); c.1847-4G>A (NM_001166110.2); c.1238-4G>A (NM_001367568.1); c.1187-4G>A (NM_001367569.1).
Identifiers: ClinVar variation 215802 (VCV000215802.19), dbSNP rs113515140, ClinGen allele CA337355.
Genomic context (GRCh38, chr4:168,926,209, plus strand): 5'-AATATCTAAAGGCTTTCCAAGTATATCTTGATTAAAAATCTTAATTTACTCTTTTTCTTT[G>A]TAGCCCAGTGGCATCAGCAGTCACAGAGCACCAAGCCAAAAAAAGTACGGCCCTCAGCCA-3'